The following is an entry in ClinVar:

NM_001353345.2(SETD1B):c.1943C>T (p.Ser648Leu)

Gene: SETD1B (SET domain containing 1B, histone lysine methyltransferase; plus strand). Cytogenetic location: 12q24.31.
Variant type: single nucleotide variant.
Coding change: c.1943C>T on transcript NM_001353345.2 (MANE Select); coding-DNA position 1943, C replaced by T.
Protein change: p.Ser648Leu; replaces serine 648 with leucine.
Molecular consequence: missense variant.
Genome position (GRCh38, 1-based): chr12:121,814,158, C>T. VCF-style: chr12-121814158-C-T. GRCh37 (hg19) VCF-style: chr12-122252064-C-T.
Other names: NM_015048.1:c.1943C>T; short protein forms S648L.
Identifiers: ClinVar variation 3054005 (VCV003054005.2), dbSNP rs549011328, ClinGen allele CA6838925.

ClinVar aggregate classification (germline): Likely benign (0 of 4 stars; one submission).

Conditions:
SETD1B-related disorder. Also called: SETD1B-related condition.

Allele frequency attached by ClinVar (database versions not stated): ExAC 0.00049; 1000 Genomes Project 30x 0.00234; 1000 Genomes Project 0.00260.

Submission:

PreventionGenetics, part of Exact Sciences
Classification: Likely benign for SETD1B-related condition. Last evaluated: 2022-04-01. Review status: no assertion criteria provided. Collection method: clinical testing. Allele origin: germline.
Comment: This variant is classified as likely benign based on ACMG/AMP sequence variant interpretation guidelines (Richards et al. 2015 PMID: 25741868, with internal and published modifications).